The following is an entry in ClinVar:

ClinVar aggregate classification (germline): Uncertain significance (1 of 4 stars; one submission).

Conditions:
Spastic paraplegia. Identifiers: MedGen C0037772, HP:0001258.

Submission:

Labcorp Genetics (formerly Invitae), Labcorp
Classification: Uncertain significance for Spastic paraplegia. Last evaluated: 2021-08-06. Review status: criteria provided, single submitter. Criteria: Invitae Variant Classification Sherloc (09022015). Collection method: clinical testing. Allele origin: germline.
Comment: This sequence change replaces serine with threonine at codon 527 of the ZFYVE26 protein (p.Ser527Thr). The serine residue is moderately conserved and there is a small physicochemical difference between serine and threonine. This variant is not present in population databases (ExAC no frequency). This variant has not been reported in the literature in individuals affected with ZFYVE26-related conditions. Algorithms developed to predict the effect of missense changes on protein structure and function (SIFT, PolyPhen-2, Align-GVGD) all suggest that this variant is likely to be tolerated. In summary, the available evidence is currently insufficient to determine the role of this variant in disease. Therefore, it has been classified as a Variant of Uncertain Significance.

NM_015346.4(ZFYVE26):c.1580G>C (p.Ser527Thr)

Gene: ZFYVE26 (zinc finger FYVE-type containing 26; minus strand). Cytogenetic location: 14q24.1.
Variant type: single nucleotide variant.
Coding change: c.1580G>C on transcript NM_015346.4 (MANE Select); coding-DNA position 1580, G replaced by C.
Protein change: p.Ser527Thr; replaces serine 527 with threonine.
Molecular consequence: missense variant.
Genome position (GRCh38, 1-based): chr14:67,802,138, C>G on the plus strand (G>C on the coding strand, the complement: ZFYVE26 is on the minus strand). VCF-style: chr14-67802138-C-G. GRCh37 (hg19) VCF-style: chr14-68268855-C-G.
Other names: short protein forms S527T.
Identifiers: ClinVar variation 1501280 (VCV001501280.6), dbSNP rs2140246692, ClinGen allele CA390176319.